The following is an entry in ClinVar:

NM_000046.5(ARSB):c.716A>G (p.Gln239Arg)

Gene: ARSB (arylsulfatase B; minus strand). Cytogenetic location: 5q14.1.
Variant type: single nucleotide variant.
Coding change: c.716A>G on transcript NM_000046.5 (MANE Select); coding-DNA position 716, A replaced by G.
Protein change: p.Gln239Arg; replaces glutamine 239 with arginine.
Molecular consequence: missense variant.
Genome position (GRCh38, 1-based): chr5:78,955,477, T>C on the plus strand (A>G on the coding strand, the complement: ARSB is on the minus strand). VCF-style: chr5-78955477-T-C. GRCh37 (hg19) VCF-style: chr5-78251300-T-C.
Other names: c.716A>G, p.Gln239Arg (NM_198709.3); short protein forms Q239R.
Identifiers: ClinVar variation 559806 (VCV000559806.1), dbSNP rs1554086431, ClinGen allele CA360192302.

ClinVar aggregate classification (germline): Uncertain significance (1 of 4 stars; one submission).

Conditions:
Mucopolysaccharidosis type 6 (MPS6). Also called: N-ACETYLGALACTOSAMINE-4-SULFATASE DEFICIENCY; MPS VI; MPS 6; Maroteaux Lamy syndrome; ARSB DEFICIENCY; ARYLSULFATASE B DEFICIENCY. Identifiers: Orphanet 583, MedGen C0026709, MONDO:0009661, OMIM 253200.

Submission:

Laboratory of Diagnosis and Therapy of Lysosomal Disorders, University of Padova
Classification: Uncertain significance for Mucopolysaccharidosis type 6. Last evaluated: 2018-01-01. Review status: criteria provided, single submitter. Criteria: ACMG Guidelines, 2015. Collection method: curation. Allele origin: germline. Affected: yes.
Comment: Absent from GnomAD (PM2)

Literature cited by the submitters: PubMed 11802522; PubMed 10738004; PubMed 24053568; PubMed 30118150.